The following is an entry in ClinVar:

NM_015272.5(RPGRIP1L):c.3210G>A (p.Leu1070=)

Gene: RPGRIP1L (RPGRIP1 like; minus strand). Cytogenetic location: 16q12.2.
Variant type: single nucleotide variant.
Coding change: c.3210G>A on transcript NM_015272.5 (MANE Select); coding-DNA position 3210, G replaced by A.
Protein change: p.Leu1070=; no amino-acid change (leucine 1070 retained).
Molecular consequence: synonymous variant.
Genome position (GRCh38, 1-based): chr16:53,637,705, C>T on the plus strand (G>A on the coding strand, the complement: RPGRIP1L is on the minus strand). VCF-style: chr16-53637705-C-T. GRCh37 (hg19) VCF-style: chr16-53671617-C-T.
Other names: c.3108G>A, p.Leu1036= (NM_001127897.4, NM_001330538.2); c.3210G>A, p.Leu1070= (NM_001308334.3); c.3210G>A (NM_015272.4).
Identifiers: ClinVar variation 1078885 (VCV001078885.11), dbSNP rs375177321, ClinGen allele CA8057346.

ClinVar aggregate classification (germline): Likely benign. Review status: criteria provided, multiple submitters, no conflicts (2 of 4 stars). 3 submissions from 3 submitters: Likely benign (2). 1 of the submissions does not count toward it. Last evaluated 2024-02-05.

Conditions:
Joubert syndrome. Also called: JOUBERT-BOLTSHAUSER SYNDROME; Familial aplasia of the vermis. Identifiers: Orphanet 475, MedGen C5979921, MONDO:0018772.
Meckel-Gruber syndrome. Also called: DYSENCEPHALIA SPLANCHNOCYSTICA; GRUBER SYNDROME; Dysencephalia splachnocystica. Identifiers: Orphanet 564, MedGen C0265215, MONDO:0018921.
RPGRIP1L-related disorder. Also called: RPGRIP1L-related condition; RPGRIP1L-related disorders. Identifiers: MedGen CN239416.

Allele frequency attached by ClinVar (database versions not stated): gnomAD exomes below 0.00001 and 0.00001; ExAC 0.00001; gnomAD 0.00001; TOPMed 0.00001; ESP Exome Variant Server 0.00008.
gnomAD v4.1: 16 of 1,609,010 alleles (0.00099%); highest among the groups gnomAD compares: Non-Finnish European, 0.0014%; no homozygotes.

Submissions (3):

Labcorp Genetics (formerly Invitae), Labcorp
Classification: Likely benign for Joubert syndrome; Meckel-Gruber syndrome. Last evaluated: 2024-02-05. Review status: criteria provided, single submitter. Criteria: Invitae Variant Classification Sherloc (09022015). Collection method: clinical testing. Allele origin: germline.

Blueprint Genetics
Classification: Likely benign. Last evaluated: 2023-09-25. Review status: criteria provided, single submitter. Criteria: ACMG Guidelines, 2015. Collection method: clinical testing. Allele origin: germline.

PreventionGenetics, part of Exact Sciences
Classification: Likely benign for RPGRIP1L-related condition. Last evaluated: 2023-07-03. Review status: no assertion criteria provided. Collection method: clinical testing. Allele origin: germline. Not counted in ClinVar's aggregate classification.
Comment: This variant is classified as likely benign based on ACMG/AMP sequence variant interpretation guidelines (Richards et al. 2015 PMID: 25741868, with internal and published modifications).